The following is an entry in ClinVar:

NM_022051.3(EGLN1):c.5C>T (p.Ala2Val)

Gene: EGLN1 (egl-9 family hypoxia inducible factor 1; minus strand). Cytogenetic location: 1q42.2.
Variant type: single nucleotide variant.
Coding change: c.5C>T on transcript NM_022051.3 (MANE Select); coding-DNA position 5, C replaced by T.
Protein change: p.Ala2Val; replaces alanine 2 with valine.
Molecular consequence: missense variant.
Genome position (GRCh38, 1-based): chr1:231,421,884, G>A on the plus strand (C>T on the coding strand, the complement: EGLN1 is on the minus strand). VCF-style: chr1-231421884-G-A. GRCh37 (hg19) VCF-style: chr1-231557630-G-A.
Other names: c.5C>T, p.Ala2Val (NM_001377260.1, NM_001377261.1); short protein forms A2V.
Identifiers: ClinVar variation 4842504 (VCV004842504.1).

ClinVar aggregate classification (germline): Uncertain significance (1 of 4 stars; one submission).

gnomAD v4.1: 1 of 1,449,820 alleles (0.000069%); highest among the groups gnomAD compares: Non-Finnish European, 0.00009%; no homozygotes.

Submission:

Ambry Genetics
Classification: Uncertain significance. Last evaluated: 2025-12-18. Review status: criteria provided, single submitter. Criteria: Ambry Variant Classification Scheme 2023. Collection method: clinical testing. Allele origin: germline.
Comment: The p.A2V variant (also known as c.5C>T), located in coding exon 1 of the EGLN1 gene, results from a C to T substitution at nucleotide position 5. The alanine at codon 2 is replaced by valine, an amino acid with similar properties. This amino acid position is conserved. In addition, this alteration is predicted to be tolerated by in silico analysis. Based on the available evidence, the clinical significance of this variant remains unclear.